The following is an entry in ClinVar:

ClinVar aggregate classification (germline): Benign. Review status: criteria provided, multiple submitters, no conflicts (2 of 4 stars). 6 submissions from 6 submitters: Benign (5). 1 of the submissions does not count toward it. Last evaluated 2026-01-31.

Conditions:
Mitochondrial trifunctional protein deficiency. Identifiers: Orphanet 746, MedGen C1969443, MONDO:0012172.
Long chain 3-hydroxyacyl-CoA dehydrogenase deficiency. Also called: Deficiency of long-chain 3-hydroxyacyl-coenzyme A dehydrogenase; LCHAD Deficiency. Identifiers: Orphanet 5, MedGen C3711645, MONDO:0012173, OMIM 609016.

Allele frequency attached by ClinVar (database versions not stated): gnomAD exomes 0.00092 and 0.00229; ExAC 0.00261; gnomAD 0.00562 and 0.00584; ESP Exome Variant Server 0.00607; TOPMed 0.00622; 1000 Genomes Project 0.00819; 1000 Genomes Project 30x 0.00843.

Submissions (6):

Labcorp Genetics (formerly Invitae), Labcorp
Classification: Benign for Mitochondrial trifunctional protein deficiency; Long chain 3-hydroxyacyl-CoA dehydrogenase deficiency. Last evaluated: 2026-01-31. Review status: criteria provided, single submitter. Criteria: Invitae Variant Classification Sherloc (09022015). Collection method: clinical testing. Allele origin: germline.

ARUP Laboratories, Molecular Genetics and Genomics, ARUP Laboratories
Classification: Benign. Last evaluated: 2023-11-22. Review status: criteria provided, single submitter. Criteria: ARUP Molecular Germline Variant Investigation Process 2024. Collection method: clinical testing. Allele origin: germline.

Mayo Clinic Laboratories, Mayo Clinic
Classification: Benign. Last evaluated: 2019-02-28. Review status: criteria provided, single submitter. Criteria: ACMG Guidelines, 2015. Collection method: clinical testing. Allele origin: germline. Observed: 12 variant alleles.

Women's Health and Genetics/Laboratory Corporation of America, LabCorp
Classification: Benign. Last evaluated: 2018-07-12. Review status: criteria provided, single submitter. Criteria: LabCorp Variant Classification Summary - May 2015. Collection method: clinical testing. Allele origin: germline.
Comment: Variant summary: HADHA c.573+8dupT alters a nucleotide located close to a canonical splice site and therefore could affect mRNA splicing, leading to a significantly altered protein sequence. 5/5 computational tools predict no significant changes to splicing, however, these predictions have not been assessed by functional studies. The variant allele was found at a frequency of 0.0026 in 276958 control chromosomes in the gnomAD database, including 8 homozygotes. The observed variant frequency is approximately 1.36 fold above the estimated maximal expected allele frequency for a pathogenic variant in HADHA causing Long Chain 3-Hydroxyacyl-CoA Dehydrogenase Deficiency phenotype (0.0019), strongly suggesting that the variant is benign. To our knowledge, no occurrence of c.573+8dupT in individuals affected with Long Chain 3-Hydroxyacyl-CoA Dehydrogenase Deficiency and no experimental evidence demonstrating its impact on protein function have been reported. No clinical diagnostic laboratories have submitted clinical-significance assessments for this variant to ClinVar after 2014. Based on the evidence outlined above, the variant was classified as benign.

GeneDx
Classification: Benign. Last evaluated: 2014-10-08. Review status: criteria provided, single submitter. Criteria: GeneDx Variant Classification (06012015). Collection method: clinical testing. Allele origin: germline. Affected: yes.
Comment: The variant is found in FAO-MET,UCD-MET panel(s).

Natera, Inc.
Classification: Benign for Deficiency of long-chain 3-hydroxyacyl-coenzyme A dehydrogenase. Last evaluated: 2020-09-16. Review status: no assertion criteria provided. Collection method: clinical testing. Allele origin: germline. Not counted in ClinVar's aggregate classification.

NM_000182.5(HADHA):c.573+8dup

Gene: HADHA (hydroxyacyl-CoA dehydrogenase trifunctional multienzyme complex subunit alpha; minus strand). Cytogenetic location: 2p23.3.
Variant type: Duplication.
Coding change: c.573+8dup on transcript NM_000182.5 (MANE Select); 8 bases into the intron after coding-DNA position 573, one base duplicated (T; older notation c.573+8dupT).
Molecular consequence: intron variant.
Genome position (GRCh38, 1-based): chr2:26,232,152, A duplicated on the plus strand (T on the coding strand, the reverse complement: HADHA is on the minus strand). VCF-style (leftmost placement, unchanged base first): chr2-26232151-T-TA. GRCh37 (hg19) VCF-style: chr2-26455019-T-TA.
Other names: p.?; c.573+8dupT (NM_000182.5).
Identifiers: ClinVar variation 203737 (VCV000203737.13), dbSNP rs112196218, ClinGen allele CA312572.